The following is an entry in ClinVar:

ClinVar aggregate classification (germline): Uncertain significance. Review status: criteria provided, multiple submitters, no conflicts (2 of 4 stars). 2 submissions from 2 submitters: Uncertain significance (2). Last evaluated 2025-11-02.

Allele frequency attached by ClinVar (database versions not stated): gnomAD exomes below 0.00001.
gnomAD v4.1: 1 of 1,614,182 alleles (0.000062%); highest among the groups gnomAD compares: Non-Finnish European, 0.000085%; no homozygotes.

Submissions (2):

GeneDx
Classification: Uncertain significance. Last evaluated: 2025-11-02. Review status: criteria provided, single submitter. Criteria: GeneDx Variant Classification Process June 2021. Collection method: clinical testing. Allele origin: germline. Affected: yes.
Comment: Not observed at significant frequency in large population cohorts (gnomAD); In silico analysis supports that this missense variant has a deleterious effect on protein structure/function; Has not been previously published as pathogenic or benign to our knowledge

Blueprint Genetics
Classification: Uncertain significance. Last evaluated: 2020-12-08. Review status: criteria provided, single submitter. Criteria: ACMG Guidelines, 2015. Collection method: clinical testing. Allele origin: germline.

NM_024757.5(EHMT1):c.3487T>C (p.Ser1163Pro)

Gene: EHMT1 (euchromatic histone lysine methyltransferase 1; plus strand). Cytogenetic location: 9q34.3.
Variant type: single nucleotide variant.
Coding change: c.3487T>C on transcript NM_024757.5 (MANE Select); coding-DNA position 3487, T replaced by C.
Protein change: p.Ser1163Pro; replaces serine 1163 with proline.
Molecular consequence: missense variant.
Genome position (GRCh38, 1-based): chr9:137,818,085, T>C. VCF-style: chr9-137818085-T-C. GRCh37 (hg19) VCF-style: chr9-140712537-T-C.
Other names: c.3466T>C, p.Ser1156Pro (NM_001354263.2); short protein forms S1156P, S1163P.
Identifiers: ClinVar variation 1331164 (VCV001331164.4), dbSNP rs2132809316, ClinGen allele CA375773497.